The following is an entry in ClinVar:

ClinVar aggregate classification (germline): Conflicting classifications of pathogenicity. Review status: criteria provided, conflicting classifications (1 of 4 stars). 5 submissions from 5 submitters: Likely pathogenic (1); Uncertain significance (3). 1 of the submissions does not count toward it. Last evaluated 2025-01-19.

Conditions:
Anauxetic dysplasia. Identifiers: Orphanet 93347, MedGen C1846796, MONDO:0011773.
Metaphyseal chondrodysplasia, McKusick type (CHH). Also called: Cartilage-Hair Hypoplasia (CHH); Cartilage-hair hypoplasia. Identifiers: Orphanet 175, MedGen C0220748, MONDO:0009595, OMIM 250250.

Allele frequency attached by ClinVar (database versions not stated): TOPMed 0.00001; gnomAD exomes 0.00002.
gnomAD v4.1: 13 of 700,342 alleles (0.0019%); highest among the groups gnomAD compares: Admixed American, 0.006%; no homozygotes.

Submissions (5):

Labcorp Genetics (formerly Invitae), Labcorp
Classification: Uncertain significance for Anauxetic dysplasia. Last evaluated: 2025-01-19. Review status: criteria provided, single submitter. Criteria: Invitae Variant Classification Sherloc (09022015). Collection method: clinical testing. Allele origin: germline.
Comment: This variant occurs in the RMRP gene, which encodes an RNA molecule that does not result in a protein product. This variant is present in population databases (no rsID available, gnomAD 0.004%). This variant has been observed in individual(s) with T cell lymphopenia (internal data). In at least one individual the data is consistent with being in trans (on the opposite chromosome) from a pathogenic variant. It has also been observed to segregate with disease in related individuals. ClinVar contains an entry for this variant (Variation ID: 418696). Experimental studies and prediction algorithms are not available or were not evaluated, and the functional significance of this variant is currently unknown. In summary, the available evidence is currently insufficient to determine the role of this variant in disease. Therefore, it has been classified as a Variant of Uncertain Significance.

Women's Health and Genetics/Laboratory Corporation of America, LabCorp
Classification: Uncertain significance. Last evaluated: 2022-02-16. Review status: criteria provided, single submitter. Criteria: LabCorp Variant Classification Summary - May 2015. Collection method: clinical testing. Allele origin: germline.
Comment: Variant summary: RMRP n.51C>T alters a nucleotide in the non-coding RNA. The variant allele was found at a frequency of 2.3e-05 in 130464 control chromosomes (gnomAD). The available data on variant occurrences in the general population are insufficient to allow any conclusion about variant significance. To our knowledge, no occurrence of n.51C>T in individuals affected with Cartilage-Hair Hypoplasia and no experimental evidence demonstrating its impact on protein function have been reported. Two ClinVar submitters (evaluation after 2014) cite the variant as uncertain significance and likely pathogenic. Based on the evidence outlined above, the variant was classified as uncertain significance until additional clinical and functional evidence become available.

CeGaT Center for Human Genetics Tuebingen
Classification: Uncertain significance. Last evaluated: 2019-11-01. Review status: criteria provided, single submitter. Criteria: CeGaT Center For Human Genetics Tuebingen Variant Classification Criteria Version 2. Collection method: clinical testing. Allele origin: germline. Affected: yes. Observed: 1 variant allele.

GeneDx
Classification: Likely pathogenic. Last evaluated: 2015-03-20. Review status: criteria provided, single submitter. Criteria: GeneDx Variant Classification (06012015). Collection method: clinical testing. Allele origin: germline. Affected: yes.
Comment: To our knowledge, the r.(51 c>u) variant has not been published as a pathogenic variant, nor has it been reported as a benign polymorphism. The r.(51 c>u) variant is located in the stem region close to the P3 domain of RMRP. This substitution occurs at a position that is well conserved across species, with T" only being observed in the megabat species. The r.(51 c>u) variant changes a Watson-Crick base pair to a T:G wobble base pair. In addition, a known variant r.(41 g>a) at an adjacent Watson-Crick base pair in the same stem region and other regulatory mutations have been reported in the Human Gene Mutation Database in association with Cartilage-Hair hypoplasia (Stenson et al., 2014). Therefore, this variant is a strong candidate for a pathogenic mutation, however the possibility that it is a benign variant cannot be excluded."

Counsyl
Classification: Uncertain significance for Metaphyseal chondrodysplasia, McKusick type. Last evaluated: 2017-09-11. Review status: no assertion criteria provided. Collection method: clinical testing. Allele origin: unknown. Not counted in ClinVar's aggregate classification.

NR_003051.4(RMRP):n.52C>T

Gene: RMRP (RNA component of mitochondrial RNA processing endoribonuclease; minus strand). Cytogenetic location: 9p13.3.
Variant type: single nucleotide variant.
Genome position: GRCh38 VCF-style: chr9-35657968-G-A. GRCh37 (hg19) VCF-style: chr9-35657965-G-A.
Identifiers: ClinVar variation 418696 (VCV000418696.38), dbSNP rs1064793373, ClinGen allele CA16618856.